The following is an entry in ClinVar:

ClinVar aggregate classification (germline): Likely benign. Review status: criteria provided, multiple submitters, no conflicts (2 of 4 stars). 5 submissions from 5 submitters: Likely benign (5). Last evaluated 2025-08-07.

Conditions:
KIF7-related disorder. Also called: KIF7-related condition.
Acrocallosal syndrome (ACLS). Also called: HALLUX DUPLICATION, POSTAXIAL POLYDACTYLY, AND ABSENCE OF CORPUS CALLOSUM; Schinzel syndrome 1; Absence of corpus callosum with unusual facial appearance, mental deficiency, duplication of the halluces and polydactyly. Identifiers: Orphanet 36, MedGen C0796147, MONDO:0008708, OMIM 200990.

Allele frequency attached by ClinVar (database versions not stated): ExAC 0.00005; gnomAD exomes 0.00005 and 0.00007; gnomAD 0.00006 and 0.00008; TOPMed 0.00007; 1000 Genomes Project 30x 0.00047; 1000 Genomes Project 0.00060.
gnomAD v4.1: 110 of 1,551,790 alleles (0.0071%); highest among the groups gnomAD compares: East Asian, 0.015%; no homozygotes.

Submissions (5):

PreventionGenetics, part of Exact Sciences
Classification: Likely benign for KIF7-related condition. Last evaluated: 2025-08-07. Review status: criteria provided, single submitter. Criteria: ACMG Guidelines, 2015. Collection method: clinical testing. Allele origin: germline.
Comment: This variant is classified as likely benign based on ACMG/AMP sequence variant interpretation guidelines (Richards et al. 2015 PMID: 25741868, with internal and published modifications).

Labcorp Genetics (formerly Invitae), Labcorp
Classification: Likely benign for Acrocallosal syndrome. Last evaluated: 2024-12-12. Review status: criteria provided, single submitter. Criteria: Invitae Variant Classification Sherloc (09022015). Collection method: clinical testing. Allele origin: germline.

Blueprint Genetics
Classification: Likely benign. Last evaluated: 2023-05-31. Review status: criteria provided, single submitter. Criteria: ACMG Guidelines, 2015. Collection method: clinical testing. Allele origin: germline.

Genetic Services Laboratory, University of Chicago
Classification: Likely benign. Last evaluated: 2016-09-23. Review status: criteria provided, single submitter. Criteria: ACMG Guidelines, 2015. Collection method: clinical testing. Allele origin: germline. Affected: no.

Breakthrough Genomics
Classification: Likely benign. Review status: criteria provided, single submitter. Criteria: ACMG Guidelines, 2015. Collection method: not provided. Allele origin: germline. Inheritance: Autosomal recessive inheritance. Affected: yes.

NM_198525.3(KIF7):c.222C>T (p.Cys74=)

Gene: KIF7 (kinesin family member 7; minus strand). Cytogenetic location: 15q26.1.
Variant type: single nucleotide variant.
Coding change: c.222C>T on transcript NM_198525.3 (MANE Select); coding-DNA position 222, C replaced by T.
Protein change: p.Cys74=; no amino-acid change (cysteine 74 retained).
Molecular consequence: synonymous variant.
Genome position (GRCh38, 1-based): chr15:89,652,709, G>A on the plus strand (C>T on the coding strand, the complement: KIF7 is on the minus strand). VCF-style: chr15-89652709-G-A. GRCh37 (hg19) VCF-style: chr15-90195940-G-A.
Identifiers: ClinVar variation 435647 (VCV000435647.16), dbSNP rs527453026, ClinGen allele CA7728673.